The following is an entry in ClinVar:

ClinVar aggregate classification (germline): other (0 of 4 stars; one submission).

Conditions:
Familial colorectal cancer. Identifiers: MedGen CN280943, MONDO:0023113. Disease mechanism: loss of function.

Submission:

Systems Biology Platform Zhejiang California International NanoSystems Institute
Classification: other for Familial colorectal cancer. Review status: no assertion criteria provided. Collection method: not provided. Allele origin: unknown.
ClinVar note: Converted during submission from cancer to other.

NM_000038.6(APC):c.834+3690G>T

Gene: APC (APC regulator of WNT signaling pathway; plus strand). Cytogenetic location: 5q22.2.
Variant type: single nucleotide variant.
Coding change: c.834+3690G>T on transcript NM_000038.6 (MANE Select); 3690 bases into the intron after coding-DNA position 834, G replaced by T.
Molecular consequence: intron variant.
Genome position (GRCh38, 1-based): chr5:112,805,073, G>T. VCF-style: chr5-112805073-G-T. GRCh37 (hg19) VCF-style: chr5-112140770-G-T.
Other names: c.834+3690G>T (NM_001354895.2, NM_001127510.3, NM_001354896.2 and 1 more transcripts); c.864+3690G>T (NM_001354897.2, NM_001354902.2); c.780+3690G>T (NM_001127511.3); c.759+3690G>T (NM_001354898.2, NM_001354904.2); c.-202+3690G>T (NM_001354906.2); c.750+3690G>T (NM_001354899.2); c.657+3690G>T (NM_001354900.2, NM_001354901.2, NM_001354905.2).
Identifiers: ClinVar variation 82522 (VCV000082522.2), dbSNP rs75762078, ClinGen allele CA014763.